The following is an entry in ClinVar:

NM_004463.3(FGD1):c.1060G>A (p.Glu354Lys)

Gene: FGD1 (FYVE, RhoGEF and PH domain containing 1; minus strand). Cytogenetic location: Xp11.22.
Variant type: single nucleotide variant.
Coding change: c.1060G>A on transcript NM_004463.3 (MANE Select); coding-DNA position 1060, G replaced by A.
Protein change: p.Glu354Lys; replaces glutamic acid 354 with lysine.
Molecular consequence: missense variant.
Genome position (GRCh38, 1-based): chrX:54,470,057, C>T on the plus strand (G>A on the coding strand, the complement: FGD1 is on the minus strand). VCF-style: chrX-54470057-C-T. GRCh37 (hg19) VCF-style: chrX-54496490-C-T.
Other names: short protein forms E354K.
Identifiers: ClinVar variation 4759684 (VCV004759684.1).

ClinVar aggregate classification (germline): Uncertain significance (1 of 4 stars; one submission).

Submission:

Labcorp Genetics (formerly Invitae), Labcorp
Classification: Uncertain significance. Last evaluated: 2026-01-27. Review status: criteria provided, single submitter. Criteria: Invitae Variant Classification Sherloc (09022015). Collection method: clinical testing. Allele origin: germline.
Comment: This sequence change replaces glutamic acid, which is acidic and polar, with lysine, which is basic and polar, at codon 354 of the FGD1 protein (p.Glu354Lys). The frequency data for this variant in the population databases is considered unreliable, as metrics indicate poor data quality at this position in the gnomAD database. This variant has not been reported in the literature in individuals affected with FGD1-related conditions. Invitae Evidence Modeling of protein sequence and biophysical properties (such as structural, functional, and spatial information, amino acid conservation, physicochemical variation, residue mobility, and thermodynamic stability) indicates that this missense variant is not expected to disrupt FGD1 protein function with a negative predictive value of 95%. In summary, the available evidence is currently insufficient to determine the role of this variant in disease. Therefore, it has been classified as a Variant of Uncertain Significance.